The following is an entry in ClinVar:

NM_006941.4(SOX10):c.46G>A (p.Gly16Ser)

Genes: POLR2F (RNA polymerase II, I and III subunit F; plus strand), SOX10 (SRY-box transcription factor 10; minus strand). Cytogenetic location: 22q13.1.
Variant type: single nucleotide variant.
Coding change: c.46G>A on transcript NM_006941.4 (MANE Select); coding-DNA position 46, G replaced by A.
Protein change: p.Gly16Ser; replaces glycine 16 with serine.
Molecular consequence: missense variant. On other transcripts: intron variant (3).
Genome position (GRCh38, 1-based): chr22:37,983,739, C>T on the plus strand (G>A on the coding strand, the complement: SOX10 is on the minus strand). VCF-style: chr22-37983739-C-T. GRCh37 (hg19) VCF-style: chr22-38379746-C-T.
Other names: c.*38+11429C>T (NM_001363825.1); c.294-2415C>T (NM_001301130.2); c.293+16569C>T (NM_001301131.2); short protein forms G16S.
Identifiers: ClinVar variation 1978538 (VCV001978538.6), dbSNP rs1450100008, ClinGen allele CA411502331.

ClinVar aggregate classification (germline): Uncertain significance. Review status: criteria provided, multiple submitters, no conflicts (2 of 4 stars). 3 submissions from 3 submitters: Uncertain significance (3). Last evaluated 2024-05-09.

Conditions:
Inborn genetic diseases. Identifiers: MedGen C0950123, MeSH D030342.

Allele frequency attached by ClinVar (database versions not stated): gnomAD exomes below 0.00001; TOPMed 0.00001; gnomAD 0.00001.
gnomAD v4.1: 10 of 1,484,544 alleles (0.00067%); highest among the groups gnomAD compares: Middle Eastern, 0.021%; no homozygotes.

Submissions (3):

Labcorp Genetics (formerly Invitae), Labcorp
Classification: Uncertain significance. Last evaluated: 2024-05-09. Review status: criteria provided, single submitter. Criteria: Invitae Variant Classification Sherloc (09022015). Collection method: clinical testing. Allele origin: germline.
Comment: This sequence change replaces glycine, which is neutral and non-polar, with serine, which is neutral and polar, at codon 16 of the SOX10 protein (p.Gly16Ser). This variant is not present in population databases (gnomAD no frequency). This variant has not been reported in the literature in individuals affected with SOX10-related conditions. ClinVar contains an entry for this variant (Variation ID: 1978538). An algorithm developed to predict the effect of missense changes on protein structure and function (PolyPhen-2) suggests that this variant is likely to be disruptive. In summary, the available evidence is currently insufficient to determine the role of this variant in disease. Therefore, it has been classified as a Variant of Uncertain Significance.

Ambry Genetics
Classification: Uncertain significance for Inborn genetic diseases. Last evaluated: 2023-08-10. Review status: criteria provided, single submitter. Criteria: Ambry Variant Classification Scheme 2023. Collection method: clinical testing. Allele origin: germline.

Blueprint Genetics
Classification: Uncertain significance. Last evaluated: 2021-06-23. Review status: criteria provided, single submitter. Criteria: ACMG Guidelines, 2015. Collection method: clinical testing. Allele origin: germline.